The following is an entry in ClinVar:

NM_002834.5(PTPN11):c.*325G>A

Gene: PTPN11 (protein tyrosine phosphatase non-receptor type 11; plus strand). Cytogenetic location: 12q24.13.
Variant type: single nucleotide variant.
Coding change: c.*325G>A on transcript NM_002834.5 (MANE Select); 325 bases downstream of the stop codon, G replaced by A.
Molecular consequence: 3 prime UTR variant.
Genome position (GRCh38, 1-based): chr12:112,506,117, G>A. VCF-style: chr12-112506117-G-A. GRCh37 (hg19) VCF-style: chr12-112943921-G-A.
Other names: c.*325G>A (NM_001330437.2, NM_001374625.1).
Identifiers: ClinVar variation 307228 (VCV000307228.32), dbSNP rs192080780, ClinGen allele CA10636514.
Genomic context (GRCh38, chr12:112,506,117, plus strand): 5'-ATAGAATTTGTTTGAAATTGAGGAAGCAGTTAAATTGTGCGCTGTATTTTGCAGATTATG[G>A]GGATTCAAATTCTAGTAATAGGCTTTTTTATTTTTATTTTTATACCCTTAACCAGTTTAA-3'

ClinVar aggregate classification (germline): Conflicting classifications of pathogenicity. Review status: criteria provided, conflicting classifications (1 of 4 stars). 4 submissions from 2 submitters: Uncertain significance (1); Benign (3). Last evaluated 2023-04-01.

Conditions:
Noonan syndrome 1 (NS1). Also called: FEMALE PSEUDO-TURNER SYNDROME; TURNER PHENOTYPE WITH NORMAL KARYOTYPE; PTPN11-Related Noonan Syndrome. Identifiers: Orphanet 648, MedGen C4551602, MONDO:0008104, OMIM 163950. Disease mechanism: gain of function.
Metachondromatosis (METCDS). Identifiers: Orphanet 2499, MedGen C0410530, MONDO:0007979, OMIM 156250.
LEOPARD syndrome 1 (LPRD1). Also called: LENTIGINOSIS, CARDIOMYOPATHIC; MULTIPLE LENTIGINES SYNDROME; PTPN11-Related LEOPARD Syndrome. Identifiers: Orphanet 500, MedGen C4551484, MONDO:0100082, OMIM 151100.

Allele frequency attached by ClinVar (database versions not stated): 1000 Genomes Project 0.00120; 1000 Genomes Project 30x 0.00156; gnomAD 0.00287 and 0.00304; TOPMed 0.00340.

Submissions (4):

CeGaT Center for Human Genetics Tuebingen
Classification: Benign. Last evaluated: 2023-04-01. Review status: criteria provided, single submitter. Criteria: CeGaT Center For Human Genetics Tuebingen Variant Classification Criteria Version 2. Collection method: clinical testing. Allele origin: germline. Affected: yes. Observed: 6 variant alleles.
Comment: PTPN11: BS1, BS2

Illumina Laboratory Services, Illumina
Classification: Benign for LEOPARD syndrome 1. Last evaluated: 2018-01-12. Review status: criteria provided, single submitter. Criteria: ICSL Variant Classification Criteria 13 December 2019. Collection method: clinical testing. Allele origin: germline.
Comment: This variant was observed in the ICSL laboratory as part of a predisposition screen in an ostensibly healthy population. It had not been previously curated by ICSL or reported in the Human Gene Mutation Database (HGMD: prior to June 1st, 2018), and was therefore a candidate for classification through an automated scoring system. Utilizing variant allele frequency, disease prevalence and penetrance estimates, and inheritance mode, an automated score was calculated to assess if this variant is too frequent to cause the disease. Based on the score and internal cut-off values, a variant classified as benign is not then subjected to further curation. The score for this variant resulted in a classification of benign for this disease.

Illumina Laboratory Services, Illumina
Classification: Uncertain significance for Noonan syndrome 1. Last evaluated: 2018-01-12. Review status: criteria provided, single submitter. Criteria: ICSL Variant Classification Criteria 13 December 2019. Collection method: clinical testing. Allele origin: germline.

Illumina Laboratory Services, Illumina
Classification: Benign for Metachondromatosis. Last evaluated: 2018-01-12. Review status: criteria provided, single submitter. Criteria: ICSL Variant Classification Criteria 13 December 2019. Collection method: clinical testing. Allele origin: germline.
Comment: the same text as in the submission from Illumina Laboratory Services, Illumina above.